The following is an entry in ClinVar:

ClinVar aggregate classification (germline): Uncertain significance (1 of 4 stars; one submission).

Conditions:
Baller-Gerold syndrome (BGS). Also called: CRANIOSYNOSTOSIS WITH RADIAL DEFECTS. Identifiers: Orphanet 1225, MedGen C0265308, MONDO:0009039, OMIM 218600.

Allele frequency attached by ClinVar (database versions not stated): gnomAD exomes below 0.00001.
gnomAD v4.1: 2 of 1,613,488 alleles (0.00012%); highest among the groups gnomAD compares: Non-Finnish European, 0.00017%; no homozygotes.

Submission:

Labcorp Genetics (formerly Invitae), Labcorp
Classification: Uncertain significance for Baller-Gerold syndrome. Last evaluated: 2025-11-18. Review status: criteria provided, single submitter. Criteria: Invitae Variant Classification Sherloc (09022015). Collection method: clinical testing. Allele origin: germline.
Comment: This sequence change replaces proline, which is neutral and non-polar, with leucine, which is neutral and non-polar, at codon 314 of the RECQL4 protein (p.Pro314Leu). This variant is not present in population databases (gnomAD no frequency). This variant has not been reported in the literature in individuals affected with RECQL4-related conditions. ClinVar contains an entry for this variant (Variation ID: 942503). Invitae Evidence Modeling of protein sequence and biophysical properties (such as structural, functional, and spatial information, amino acid conservation, physicochemical variation, residue mobility, and thermodynamic stability) indicates that this missense variant is not expected to disrupt RECQL4 protein function with a negative predictive value of 80%. In summary, the available evidence is currently insufficient to determine the role of this variant in disease. Therefore, it has been classified as a Variant of Uncertain Significance.

NM_004260.4(RECQL4):c.941C>T (p.Pro314Leu)

Gene: RECQL4 (RecQ like helicase 4; minus strand). Cytogenetic location: 8q24.3.
Variant type: single nucleotide variant.
Coding change: c.941C>T on transcript NM_004260.4 (MANE Select); coding-DNA position 941, C replaced by T.
Protein change: p.Pro314Leu; replaces proline 314 with leucine.
Molecular consequence: missense variant.
Genome position (GRCh38, 1-based): chr8:144,516,178, G>A on the plus strand (C>T on the coding strand, the complement: RECQL4 is on the minus strand). VCF-style: chr8-144516178-G-A. GRCh37 (hg19) VCF-style: chr8-145741562-G-A.
Other names: short protein forms P314L.
Identifiers: ClinVar variation 942503 (VCV000942503.5), dbSNP rs1814931093, ClinGen allele CA372688606.